The following is an entry in ClinVar:

ClinVar aggregate classification (germline): Benign/Likely benign. Review status: criteria provided, multiple submitters, no conflicts (2 of 4 stars). 7 submissions from 7 submitters: Benign (2); Likely benign (3). 2 of the submissions do not count toward it. Last evaluated 2025-12-28.

Conditions:
PRKG1-related disorder. Also called: PRKG1-related condition.
Aortic aneurysm, familial thoracic 8 (AAT8). Identifiers: MedGen C3809513, MONDO:0014187, OMIM 615436.

Allele frequency attached by ClinVar (database versions not stated): ESP Exome Variant Server 0.00008; 1000 Genomes Project 30x 0.00016; TOPMed 0.00017; ExAC 0.00018; 1000 Genomes Project 0.00020; gnomAD exomes 0.00022.
gnomAD v4.1: 320 of 1,610,520 alleles (0.02%); highest among the groups gnomAD compares: South Asian, 0.025%; 1 homozygote.

Submissions (7):

Labcorp Genetics (formerly Invitae), Labcorp
Classification: Benign for Aortic aneurysm, familial thoracic 8. Last evaluated: 2025-12-28. Review status: criteria provided, single submitter. Criteria: Invitae Variant Classification Sherloc (09022015). Collection method: clinical testing. Allele origin: germline.

PreventionGenetics, part of Exact Sciences
Classification: Likely benign for PRKG1-related condition. Last evaluated: 2025-10-01. Review status: criteria provided, single submitter. Criteria: ACMG Guidelines, 2015. Collection method: clinical testing. Allele origin: germline.
Comment: This variant is classified as likely benign based on ACMG/AMP sequence variant interpretation guidelines (Richards et al. 2015 PMID: 25741868, with internal and published modifications).

Blueprint Genetics
Classification: Likely benign. Last evaluated: 2024-03-14. Review status: criteria provided, single submitter. Criteria: ACMG Guidelines, 2015. Collection method: clinical testing. Allele origin: germline.

Women's Health and Genetics/Laboratory Corporation of America, LabCorp
Classification: Benign. Last evaluated: 2023-08-10. Review status: criteria provided, single submitter. Criteria: LabCorp Variant Classification Summary - May 2015. Collection method: clinical testing. Allele origin: germline.

GeneDx
Classification: Likely benign. Last evaluated: 2017-03-08. Review status: criteria provided, single submitter. Criteria: GeneDx Variant Classification (06012015). Collection method: clinical testing. Allele origin: germline. Affected: yes.
Comment: This variant is considered likely benign or benign based on one or more of the following criteria: it is a conservative change, it occurs at a poorly conserved position in the protein, it is predicted to be benign by multiple in silico algorithms, and/or has population frequency not consistent with disease.

Clinical Genetics DNA and cytogenetics Diagnostics Lab, Erasmus MC, Erasmus Medical Center
Classification: Likely benign. Review status: no assertion criteria provided. Collection method: clinical testing. Allele origin: germline. Affected: yes. Study: VKGL Data-share Consensus. Not counted in ClinVar's aggregate classification.

Genome Diagnostics Laboratory, Amsterdam University Medical Center
Classification: Likely benign. Review status: no assertion criteria provided. Collection method: clinical testing. Allele origin: germline. Affected: yes. Study: VKGL Data-share Consensus. Not counted in ClinVar's aggregate classification.

NM_006258.4(PRKG1):c.1002-9G>A

Gene: PRKG1 (protein kinase cGMP-dependent 1; plus strand). Cytogenetic location: 10q21.1.
Variant type: single nucleotide variant.
Coding change: c.1002-9G>A on transcript NM_006258.4 (MANE Select); 9 bases into the intron before coding-DNA position 1002, G replaced by A.
Molecular consequence: intron variant.
Genome position (GRCh38, 1-based): chr10:52,161,880, G>A. VCF-style: chr10-52161880-G-A. GRCh37 (hg19) VCF-style: chr10-53921640-G-A.
Other names: c.1002-9G>A (LRG_1135t1); c.957-9G>A (LRG_1135t2, NM_001098512.3).
Identifiers: ClinVar variation 414275 (VCV000414275.16), dbSNP rs200218082, ClinGen allele CA5503728.